The following is an entry in ClinVar:

ClinVar aggregate classification (germline): Uncertain significance. Review status: criteria provided, multiple submitters, no conflicts (2 of 4 stars). 2 submissions from 2 submitters: Uncertain significance (2). Last evaluated 2024-08-06.

Conditions:
Hypertrophic cardiomyopathy. Also called: HYPERTROPHIC MYOCARDIOPATHY. Identifiers: Orphanet 217569, MedGen C0007194, MeSH D002312, MONDO:0005045, HP:0001639.
Lethal congenital glycogen storage disease of heart. Also called: PHOSPHORYLASE KINASE DEFICIENCY OF HEART; GLYCOGEN STORAGE DISEASE OF HEART. Identifiers: Orphanet 439854, MedGen C1849813, MONDO:0009867, OMIM 261740.

Submissions (2):

All of Us Research Program, National Institutes of Health
Classification: Uncertain significance for Hypertrophic cardiomyopathy. Last evaluated: 2024-08-06. Review status: criteria provided, single submitter. Criteria: ACMG Guidelines, 2015. Collection method: clinical testing. Allele origin: germline. Inheritance: Autosomal dominant inheritance. Observed: 1 variant allele, 1 heterozygote.
Comment: This study involves interpretation of variants in research participants for the purpose of population health screening. Participant phenotype was not available at the time of variant classification. Additional details can be found in publication PMID: 35346344, PMCID: PMC8962531

Labcorp Genetics (formerly Invitae), Labcorp
Classification: Uncertain significance for Lethal congenital glycogen storage disease of heart. Last evaluated: 2021-10-16. Review status: criteria provided, single submitter. Criteria: Invitae Variant Classification Sherloc (09022015). Collection method: clinical testing. Allele origin: germline.
Comment: This variant has not been reported in the literature in individuals affected with PRKAG2-related conditions. This variant is not present in population databases (ExAC no frequency). This sequence change replaces proline with alanine at codon 184 of the PRKAG2 protein (p.Pro184Ala). The proline residue is moderately conserved and there is a small physicochemical difference between proline and alanine. Advanced modeling of protein sequence and biophysical properties (such as structural, functional, and spatial information, amino acid conservation, physicochemical variation, residue mobility, and thermodynamic stability) performed at Invitae indicates that this missense variant is not expected to disrupt PRKAG2 protein function. In summary, the available evidence is currently insufficient to determine the role of this variant in disease. Therefore, it has been classified as a Variant of Uncertain Significance.

NM_016203.4(PRKAG2):c.550C>G (p.Pro184Ala)

Gene: PRKAG2 (protein kinase AMP-activated non-catalytic subunit gamma 2; minus strand). Cytogenetic location: 7q36.1.
Variant type: single nucleotide variant.
Coding change: c.550C>G on transcript NM_016203.4 (MANE Select); coding-DNA position 550, C replaced by G.
Protein change: p.Pro184Ala; replaces proline 184 with alanine.
Molecular consequence: missense variant.
Genome position (GRCh38, 1-based): chr7:151,675,554, G>C on the plus strand (C>G on the coding strand, the complement: PRKAG2 is on the minus strand). VCF-style: chr7-151675554-G-C. GRCh37 (hg19) VCF-style: chr7-151372640-G-C.
Other names: c.418C>G, p.Pro140Ala (NM_001040633.2); c.178C>G, p.Pro60Ala (NM_001304527.2, NM_001363698.2); short protein forms P140A, P60A, P184A.
Identifiers: ClinVar variation 1387494 (VCV001387494.7), dbSNP rs545533727, ClinGen allele CA370187903.